The following is an entry in ClinVar:

NM_000214.3(JAG1):c.2123A>C (p.Gln708Pro)

Gene: JAG1 (jagged canonical Notch ligand 1; minus strand). Cytogenetic location: 20p12.2.
Variant type: single nucleotide variant.
Coding change: c.2123A>C on transcript NM_000214.3 (MANE Select); coding-DNA position 2123, A replaced by C.
Protein change: p.Gln708Pro; replaces glutamine 708 with proline.
Molecular consequence: missense variant.
Genome position (GRCh38, 1-based): chr20:10,645,247, T>G on the plus strand (A>C on the coding strand, the complement: JAG1 is on the minus strand). VCF-style: chr20-10645247-T-G. GRCh37 (hg19) VCF-style: chr20-10625895-T-G.
Other names: short protein forms Q708P.
Identifiers: ClinVar variation 1957706 (VCV001957706.5), dbSNP rs2514513395, ClinGen allele CA408235341.

ClinVar aggregate classification (germline): Uncertain significance (1 of 4 stars; one submission).

Conditions:
Alagille syndrome due to a JAG1 point mutation. Also called: Alagille Syndrome 1; HEPATIC DUCTULAR HYPOPLASIA, SYNDROMATIC; JAG1-Related Alagille Syndrome. Identifiers: Orphanet 261619, Orphanet 52, MedGen C1956125, MONDO:0016862, OMIM 118450.

Submission:

Labcorp Genetics (formerly Invitae), Labcorp
Classification: Uncertain significance for Alagille syndrome due to a JAG1 point mutation. Last evaluated: 2022-06-25. Review status: criteria provided, single submitter. Criteria: Invitae Variant Classification Sherloc (09022015). Collection method: clinical testing. Allele origin: germline.
Comment: In summary, the available evidence is currently insufficient to determine the role of this variant in disease. Therefore, it has been classified as a Variant of Uncertain Significance. Advanced modeling of protein sequence and biophysical properties (such as structural, functional, and spatial information, amino acid conservation, physicochemical variation, residue mobility, and thermodynamic stability) performed at Invitae indicates that this missense variant is not expected to disrupt JAG1 protein function. This variant has not been reported in the literature in individuals affected with JAG1-related conditions. This variant is not present in population databases (gnomAD no frequency). This sequence change replaces glutamine, which is neutral and polar, with proline, which is neutral and non-polar, at codon 708 of the JAG1 protein (p.Gln708Pro).